The following is an entry in ClinVar:

ClinVar aggregate classification (germline): Uncertain significance (1 of 4 stars; one submission).

Conditions:
Dyskeratosis congenita, autosomal recessive 5 (DKCB5). Identifiers: MedGen C3554656, MONDO:0014076, OMIM 615190.

Submission:

Myriad Genetics, Inc.
Classification: Uncertain significance for Dyskeratosis congenita, autosomal recessive 5. Last evaluated: 2025-10-21. Review status: criteria provided, single submitter. Criteria: Myriad Autosomal Dominant, Autosomal Recessive and X-Linked Classification Criteria (2023). Collection method: clinical testing. Allele origin: unknown.
Comment: NM_001283009.1(RTEL1):c.3727G>T(V1243L) is a missense variant classified as a variant of uncertain significance in the context of RTEL1-related disorders. V1243L has not been observed in cases with relevant disease. Relevant functional assessments of this variant are not available in the literature. V1243L has not been observed in referenced population frequency databases. In summary, there is insufficient evidence to classify NM_001283009.1(RTEL1):c.3727G>T(V1243L) as pathogenic or benign. Please note: this variant was assessed in the context of healthy population screening.

NM_001283009.2(RTEL1):c.3727G>T (p.Val1243Leu)

Genes: RTEL1 (regulator of telomere elongation helicase 1; plus strand), RTEL1-TNFRSF6B (RTEL1-TNFRSF6B readthrough (NMD candidate); plus strand). Cytogenetic location: 20q13.33.
Variant type: single nucleotide variant.
Coding change: c.3727G>T on transcript NM_001283009.2 (MANE Select); coding-DNA position 3727, G replaced by T.
Protein change: p.Val1243Leu; replaces valine 1243 with leucine.
Molecular consequence: missense variant. On other transcripts: non-coding transcript variant (1), intron variant (3).
Genome position (GRCh38, 1-based): chr20:63,695,555, G>T. VCF-style: chr20-63695555-G-T. GRCh37 (hg19) VCF-style: chr20-62326908-G-T.
Other names: c.2983+75G>T (NM_001283010.1); c.3724+75G>T (NM_032957.5); c.3652+75G>T (NM_016434.4); short protein forms V1243L.
Identifiers: ClinVar variation 5003448 (VCV005003448.1).
Genomic context (GRCh38, chr20:63,695,555, plus strand): 5'-AGAGACATCGCTGGGCAGCAGGCCACGGGAGCTCCGGGCGGGCCCCTCTCAGCAGGCTGT[G>T]TGTGCCAGGGCTGTGGGGCAGAGGACGTGGTGCCCTTCCAGTGCCCTGCCTGTGACTTCC-3'
Protein context (NP_001269938.1, residues 1233-1253): APGGPLSAGC[Val1243Leu]CQGCGAEDVV